The following is an entry in ClinVar:

ClinVar aggregate classification (germline): Uncertain significance (1 of 4 stars; one submission).

Conditions:
Dyskeratosis congenita. Identifiers: Orphanet 1775, MedGen C0265965, MONDO:0015780.

Allele frequency attached by ClinVar (database versions not stated): gnomAD 0.00001; ESP Exome Variant Server 0.00008; 1000 Genomes Project 30x 0.00031.
gnomAD v4.1: 1 of 1,614,188 alleles (0.000062%); highest among the groups gnomAD compares: African/African-American, 0.0013%; no homozygotes.

Submission:

Labcorp Genetics (formerly Invitae), Labcorp
Classification: Uncertain significance for Dyskeratosis congenita. Last evaluated: 2021-08-24. Review status: criteria provided, single submitter. Criteria: Invitae Variant Classification Sherloc (09022015). Collection method: clinical testing. Allele origin: germline.
Comment: This sequence change replaces arginine with glutamine at codon 108 of the CTC1 protein (p.Arg108Gln). The arginine residue is highly conserved and there is a small physicochemical difference between arginine and glutamine. This variant is not present in population databases (ExAC no frequency). This variant has not been reported in the literature in individuals affected with CTC1-related conditions. Algorithms developed to predict the effect of missense changes on protein structure and function output the following: SIFT: "Deleterious"; PolyPhen-2: "Benign"; Align-GVGD: "Class C0". The glutamine amino acid residue is found in multiple mammalian species, which suggests that this missense change does not adversely affect protein function. In summary, the available evidence is currently insufficient to determine the role of this variant in disease. Therefore, it has been classified as a Variant of Uncertain Significance.

NM_025099.6(CTC1):c.323G>A (p.Arg108Gln)

Gene: CTC1 (CST telomere replication complex component 1; minus strand). Cytogenetic location: 17p13.1.
Variant type: single nucleotide variant.
Coding change: c.323G>A on transcript NM_025099.6 (MANE Select); coding-DNA position 323, G replaced by A.
Protein change: p.Arg108Gln; replaces arginine 108 with glutamine.
Molecular consequence: missense variant. On other transcripts: non-coding transcript variant (1).
Genome position (GRCh38, 1-based): chr17:8,238,504, C>T on the plus strand (G>A on the coding strand, the complement: CTC1 is on the minus strand). VCF-style: chr17-8238504-C-T. GRCh37 (hg19) VCF-style: chr17-8141822-C-T.
Other names: short protein forms R108Q.
Identifiers: ClinVar variation 459601 (VCV000459601.6), dbSNP rs368398609, ClinGen allele CA287539367.